The following is an entry in ClinVar:

NM_001378414.1(HDAC4):c.1979-8C>T

Gene: HDAC4 (histone deacetylase 4; minus strand). Cytogenetic location: 2q37.3.
Variant type: single nucleotide variant.
Coding change: c.1979-8C>T on transcript NM_001378414.1 (MANE Select); 8 bases into the intron before coding-DNA position 1979, C replaced by T.
Molecular consequence: intron variant.
Genome position (GRCh38, 1-based): chr2:239,108,191, G>A on the plus strand (C>T on the coding strand, the complement: HDAC4 is on the minus strand). VCF-style: chr2-239108191-G-A. GRCh37 (hg19) VCF-style: chr2-240029887-G-A.
Other names: c.1964-8C>T (NM_001378417.1, NM_001378416.1, NM_006037.4); c.1979-8C>T (NM_001378415.1).
Identifiers: ClinVar variation 975706 (VCV000975706.31), dbSNP rs201875453, ClinGen allele CA2199605.

ClinVar aggregate classification (germline): Likely benign. Review status: criteria provided, multiple submitters, no conflicts (2 of 4 stars). 4 submissions from 4 submitters: Likely benign (2). 2 of the submissions do not count toward it. Last evaluated 2025-03-28.

Conditions:
HDAC4-related disorder. Also called: HDAC4-related condition.
Intellectual disability. Also called: Intellectual developmental disorder; intellectual disabilities; Intellectual functioning disability. Identifiers: MedGen C3714756, MeSH D008607, MONDO:0001071, HP:0001249.

Allele frequency attached by ClinVar (database versions not stated): 1000 Genomes Project 30x 0.00016; gnomAD exomes 0.00019 and 0.00028; 1000 Genomes Project 0.00020; gnomAD 0.00020; ESP Exome Variant Server 0.00023; TOPMed 0.00024; ExAC 0.00029.
gnomAD v4.1: 434 of 1,592,666 alleles (0.027%); highest among the groups gnomAD compares: East Asian, 0.046%; no homozygotes.

Submissions (4):

Labcorp Genetics (formerly Invitae), Labcorp
Classification: Likely benign. Last evaluated: 2025-03-28. Review status: criteria provided, single submitter. Criteria: Invitae Variant Classification Sherloc (09022015). Collection method: clinical testing. Allele origin: germline.

CeGaT Center for Human Genetics Tuebingen
Classification: Likely benign. Last evaluated: 2025-03-01. Review status: criteria provided, single submitter. Criteria: CeGaT Center For Human Genetics Tuebingen Variant Classification Criteria Version 2. Collection method: clinical testing. Allele origin: germline. Affected: yes. Observed: 3 variant alleles.
Comment: HDAC4: BP4

PreventionGenetics, part of Exact Sciences
Classification: Likely benign for HDAC4-related condition. Last evaluated: 2019-06-24. Review status: no assertion criteria provided. Collection method: clinical testing. Allele origin: germline. Not counted in ClinVar's aggregate classification.
Comment: This variant is classified as likely benign based on ACMG/AMP sequence variant interpretation guidelines (Richards et al. 2015 PMID: 25741868, with internal and published modifications).

Centre de Biologie Pathologie Génétique, Centre Hospitalier Universitaire de Lille
Classification: Likely benign for Intellectual disability. Last evaluated: 2019-01-01. Review status: no assertion criteria provided. Collection method: clinical testing. Allele origin: inherited. Affected: yes. Not counted in ClinVar's aggregate classification.